The following is an entry in ClinVar:

ClinVar aggregate classification (germline): Uncertain significance (1 of 4 stars; one submission).

Allele frequency attached by ClinVar (database versions not stated): TOPMed below 0.00001; gnomAD 0.00001; gnomAD exomes 0.00001; ExAC 0.00004.
gnomAD v4.1: 12 of 1,611,664 alleles (0.00074%); highest among the groups gnomAD compares: South Asian, 0.0011%; no homozygotes.

Submission:

Labcorp Genetics (formerly Invitae), Labcorp
Classification: Uncertain significance. Last evaluated: 2022-07-27. Review status: criteria provided, single submitter. Criteria: Invitae Variant Classification Sherloc (09022015). Collection method: clinical testing. Allele origin: germline.
Comment: This sequence change replaces glycine, which is neutral and non-polar, with serine, which is neutral and polar, at codon 520 of the COL18A1 protein (p.Gly520Ser). This variant is present in population databases (rs772661131, gnomAD 0.004%). This variant has not been reported in the literature in individuals affected with COL18A1-related conditions. In summary, the available evidence is currently insufficient to determine the role of this variant in disease. Therefore, it has been classified as a Variant of Uncertain Significance.

NM_001379500.1(COL18A1):c.1558G>A (p.Gly520Ser)

Gene: COL18A1 (collagen type XVIII alpha 1 chain; plus strand). Cytogenetic location: 21q22.3.
Variant type: single nucleotide variant.
Coding change: c.1558G>A on transcript NM_001379500.1 (MANE Select); coding-DNA position 1558, G replaced by A.
Protein change: p.Gly520Ser; replaces glycine 520 with serine.
Molecular consequence: missense variant.
Genome position (GRCh38, 1-based): chr21:45,480,805, G>A. VCF-style: chr21-45480805-G-A. GRCh37 (hg19) VCF-style: chr21-46900719-G-A.
Other names: c.2098G>A, p.Gly700Ser (NM_030582.4); c.2803G>A, p.Gly935Ser (NM_130444.3); short protein forms G935S, G700S, G520S.
Identifiers: ClinVar variation 1956123 (VCV001956123.2), dbSNP rs772661131, ClinGen allele CA10066389.
Genomic context (GRCh38, chr21:45,480,805, plus strand): 5'-GGCCTGCCCGGCGAGCCAGGCCGCTTTGGGGTGAACAGCTCCGACGTCCCAGGACCCGCC[G>A]GCCTTCCTGGTGTGCCTGGGCGCGAGGGTCCCCCCGGGTTTCCTGGCCTCCCGGTAAGTC-3'
Protein context (NP_001366429.1, residues 510-530): VNSSDVPGPA[Gly520Ser]LPGVPGREGP